The following is an entry in ClinVar:

NM_004700.4(KCNQ4):c.1091C>G (p.Ala364Gly)

Gene: KCNQ4 (potassium voltage-gated channel subfamily Q member 4; plus strand). Cytogenetic location: 1p34.2.
Variant type: single nucleotide variant.
Coding change: c.1091C>G on transcript NM_004700.4 (MANE Select); coding-DNA position 1091, C replaced by G.
Protein change: p.Ala364Gly; replaces alanine 364 with glycine.
Molecular consequence: missense variant.
Genome position (GRCh38, 1-based): chr1:40,822,363, C>G. VCF-style: chr1-40822363-C-G. GRCh37 (hg19) VCF-style: chr1-41288035-C-G.
Other names: c.1091C>G, p.Ala364Gly (NM_172163.3); short protein forms A364G.
Identifiers: ClinVar variation 3390821 (VCV003390821.1).

ClinVar aggregate classification (germline): Uncertain significance (1 of 4 stars; one submission).

gnomAD v4.1: 16 of 1,613,348 alleles (0.00099%); highest among the groups gnomAD compares: Non-Finnish European, 0.0013%; no homozygotes.

Submission:

GeneDx
Classification: Uncertain significance. Last evaluated: 2024-06-11. Review status: criteria provided, single submitter. Criteria: GeneDx Variant Classification Process June 2021. Collection method: clinical testing. Allele origin: germline. Affected: yes.
Comment: Not observed at significant frequency in large population cohorts (gnomAD); In silico analysis supports that this missense variant has a deleterious effect on protein structure/function; Has not been previously published as pathogenic or benign to our knowledge; This variant is associated with the following publications: (PMID: 27610647)